The following is an entry in ClinVar:

NM_002972.4(SBF1):c.3335C>T (p.Pro1112Leu)

Gene: SBF1 (SET binding factor 1; minus strand). Cytogenetic location: 22q13.33.
Variant type: single nucleotide variant.
Coding change: c.3335C>T on transcript NM_002972.4 (MANE Select); coding-DNA position 3335, C replaced by T.
Protein change: p.Pro1112Leu; replaces proline 1112 with leucine.
Molecular consequence: missense variant.
Genome position (GRCh38, 1-based): chr22:50,460,108, G>A on the plus strand (C>T on the coding strand, the complement: SBF1 is on the minus strand). VCF-style: chr22-50460108-G-A. GRCh37 (hg19) VCF-style: chr22-50898537-G-A.
Other names: c.3338C>T, p.Pro1113Leu (NM_001365819.1, NM_001410794.1); c.3335C>T, p.Pro1112Leu (NM_001410795.1, NM_197971.1); short protein forms P1113L, P1112L.
Identifiers: ClinVar variation 1959726 (VCV001959726.5), dbSNP rs2067439328, ClinGen allele CA412205149.
Genomic context (GRCh38, chr22:50,460,108, plus strand): 5'-CGCTGGTAGTCGCGACAGCAAGCCCTTTCCACCAGGCTGCTCATGGTCATGCGGTCGGAG[G>A]GCTTCAGGGCTGAGGACGGGGTCAGCGTGCTGGGCTCCAGCTCCTCCGACACTGCACAGG-3'
Protein context (NP_002963.2, residues 1102-1122): STLTPSSALK[Pro1112Leu]SDRMTMSSLV

ClinVar aggregate classification (germline): Uncertain significance (1 of 4 stars; one submission).

Allele frequency attached by ClinVar (database versions not stated): gnomAD 0.00001.
gnomAD v4.1: 1 of 1,613,312 alleles (0.000062%); highest among the groups gnomAD compares: African/African-American, 0.0013%; no homozygotes.

Submission:

Labcorp Genetics (formerly Invitae), Labcorp
Classification: Uncertain significance. Last evaluated: 2022-01-06. Review status: criteria provided, single submitter. Criteria: Invitae Variant Classification Sherloc (09022015). Collection method: clinical testing. Allele origin: germline.
Comment: In summary, the available evidence is currently insufficient to determine the role of this variant in disease. Therefore, it has been classified as a Variant of Uncertain Significance. Algorithms developed to predict the effect of missense changes on protein structure and function are either unavailable or do not agree on the potential impact of this missense change (SIFT: "Deleterious"; PolyPhen-2: "Benign"; Align-GVGD: "Class C0"). This variant has not been reported in the literature in individuals affected with SBF1-related conditions. This variant is not present in population databases (gnomAD no frequency). This sequence change replaces proline, which is neutral and non-polar, with leucine, which is neutral and non-polar, at codon 1112 of the SBF1 protein (p.Pro1112Leu).